The following is an entry in ClinVar:

ClinVar aggregate classification (germline): Uncertain significance (1 of 4 stars; one submission).

Submission:

Ambry Genetics
Classification: Uncertain significance. Last evaluated: 2025-05-17. Review status: criteria provided, single submitter. Criteria: Ambry Variant Classification Scheme 2023. Collection method: clinical testing. Allele origin: germline.
Comment: The p.T692A variant (also known as c.2074A>G), located in coding exon 3 of the CDK12 gene, results from an A to G substitution at nucleotide position 2074. The threonine at codon 692 is replaced by alanine, an amino acid with similar properties. This amino acid position is conserved. In addition, this alteration is predicted to be tolerated by in silico analysis. Based on the available evidence, the clinical significance of this variant remains unclear.

NM_016507.4(CDK12):c.2074A>G (p.Thr692Ala)

Gene: CDK12 (cyclin dependent kinase 12; plus strand). Cytogenetic location: 17q12.
Variant type: single nucleotide variant.
Coding change: c.2074A>G on transcript NM_016507.4 (MANE Select); coding-DNA position 2074, A replaced by G.
Protein change: p.Thr692Ala; replaces threonine 692 with alanine.
Molecular consequence: missense variant.
Genome position (GRCh38, 1-based): chr17:39,490,699, A>G. VCF-style: chr17-39490699-A-G. GRCh37 (hg19) VCF-style: chr17-37646952-A-G.
Other names: c.2074A>G, p.Thr692Ala (NM_015083.4); short protein forms T692A.
Identifiers: ClinVar variation 3999462 (VCV003999462.1).
Genomic context (GRCh38, chr17:39,490,699, plus strand): 5'-CCTCCAGAGCTCCCTGGTGGAGATCTGTCTCCCCCAGACTCTCCAGAACCAAAGGCAATC[A>G]CACCACCTCAGCAACCATATAAAAAGAGACCAAAGTGAGTTTTTGGAGGAATCTGTCTTT-3'
Protein context (NP_057591.2, residues 682-702): PPDSPEPKAI[Thr692Ala]PPQQPYKKRP